The following is an entry in ClinVar:

NM_001165963.4(SCN1A):c.*1795G>A

Genes: SCN1A (sodium voltage-gated channel alpha subunit 1; minus strand), LOC102724058 (uncharacterized LOC102724058; plus strand). Cytogenetic location: 2q24.3.
Variant type: single nucleotide variant.
Coding change: c.*1795G>A on transcript NM_001165963.4 (MANE Select); 1795 bases downstream of the stop codon, G replaced by A.
Molecular consequence: 3 prime UTR variant. On other transcripts: non-coding transcript variant (1).
Genome position (GRCh38, 1-based): chr2:165,989,450, C>T on the plus strand (G>A on the coding strand, the complement: SCN1A is on the minus strand). VCF-style: chr2-165989450-C-T. GRCh37 (hg19) VCF-style: chr2-166845960-C-T.
Other names: c.*1795G>A (NM_001165964.3, NM_001202435.3, NM_001353948.2 and 11 more transcripts).
Identifiers: ClinVar variation 331861 (VCV000331861.6), dbSNP rs189183531, ClinGen allele CA10612481.
Genomic context (GRCh38, chr2:165,989,450, plus strand): 5'-CCCACATTCTATTTAGAACAATCTAGAGCAGCATTACTCCAAAGAAATGAAAACATAAAC[C>T]GAAGTCAGAAAAAAAGAACAAAAATAACATAAGCACTACCTTCAATTCAGTTAGTGCAGG-3'

ClinVar aggregate classification (germline): Conflicting classifications of pathogenicity. Review status: criteria provided, conflicting classifications (1 of 4 stars). 2 submissions from 1 submitter: Uncertain significance (1); Likely benign (1). Last evaluated 2018-01-12.

Conditions:
Migraine, familial hemiplegic, 3. Identifiers: Orphanet 569, MedGen C1864987, MONDO:0012320, OMIM 609634.
Generalized epilepsy with febrile seizures plus, type 2 (GEFSP2). Also called: GEFS+, TYPE 2. Identifiers: Orphanet 36387, MedGen C1858673, MONDO:0011461, OMIM 604403.

Allele frequency attached by ClinVar (database versions not stated): gnomAD 0.00021 and 0.00023; TOPMed 0.00049; 1000 Genomes Project 0.00080; 1000 Genomes Project 30x 0.00109.

Submissions (2):

Illumina Laboratory Services, Illumina
Classification: Likely benign for Migraine, familial hemiplegic, 3. Last evaluated: 2018-01-12. Review status: criteria provided, single submitter. Criteria: ICSL Variant Classification Criteria 13 December 2019. Collection method: clinical testing. Allele origin: germline.
Comment: This variant was observed in the ICSL laboratory as part of a predisposition screen in an ostensibly healthy population. It had not been previously curated by ICSL or reported in the Human Gene Mutation Database (HGMD: prior to June 1st, 2018), and was therefore a candidate for classification through an automated scoring system. Utilizing variant allele frequency, disease prevalence and penetrance estimates, and inheritance mode, an automated score was calculated to assess if this variant is too frequent to cause the disease. Based on the score and internal cut-off values, a variant classified as likely benign is not then subjected to further curation. The score for this variant resulted in a classification of likely benign for this disease.

Illumina Laboratory Services, Illumina
Classification: Uncertain significance for Generalized epilepsy with febrile seizures plus, type 2. Last evaluated: 2018-01-12. Review status: criteria provided, single submitter. Criteria: ICSL Variant Classification Criteria 13 December 2019. Collection method: clinical testing. Allele origin: germline.